The following is an entry in ClinVar:

ClinVar aggregate classification (germline): Uncertain significance (1 of 4 stars; one submission).

Conditions:
Chuvash polycythemia. Also called: POLYCYTHEMIA, VHL-DEPENDENT. Identifiers: Orphanet 238557, MedGen C1837915, MONDO:0009892, OMIM 263400.
Von Hippel-Lindau syndrome (VHLS). Also called: VHL syndrome; von Hippel–Lindau syndrome; Von Hippel-Lindau. Identifiers: Orphanet 892, MedGen C0019562, MONDO:0008667, OMIM 193300. Disease mechanism: loss of function.

Submission:

Labcorp Genetics (formerly Invitae), Labcorp
Classification: Uncertain significance for Von Hippel-Lindau syndrome; Chuvash polycythemia. Last evaluated: 2025-05-30. Review status: criteria provided, single submitter. Criteria: Invitae Variant Classification Sherloc (09022015). Collection method: clinical testing. Allele origin: germline.
Comment: This sequence change falls in intron 1 of the VHL gene. It is not expected to change the encoded amino acid sequence of the VHL protein. However, this sequence change falls within a cryptic exon in the VHL gene, known as exon E1’, which is naturally expressed at low levels in several human tissues (PMID: 29891534). This variant is not present in population databases (gnomAD no frequency). This variant has not been reported in the literature in individuals affected with VHL-related conditions. ClinVar contains an entry for this variant (Variation ID: 3754265). Algorithms developed to predict the effect of sequence changes on RNA splicing suggest that this variant is not likely to affect RNA splicing. In summary, the available evidence is currently insufficient to determine the role of this variant in disease. Therefore, it has been classified as a Variant of Uncertain Significance.

Literature cited by the submitters: PubMed 29891534.

NM_000551.4(VHL):c.340+663dup

Genes: VHL (von Hippel-Lindau tumor suppressor; plus strand), LOC107303340 (3p25 von Hippel-Lindau tumor suppressor, E3 ubiquitin protein ligase Alu-mediated recombination region; plus strand). Cytogenetic location: 3p25.3.
Variant type: Duplication.
Coding change: c.340+663dup on transcript NM_000551.4 (MANE Select); 663 bases into the intron after coding-DNA position 340, one base duplicated (C; older notation c.340+663dupC).
Molecular consequence: intron variant. On other transcripts: frameshift variant (1), non-coding transcript variant (1).
Genome position (GRCh38, 1-based): chr3:10,142,850, C duplicated. VCF-style (leftmost placement, unchanged base first): chr3-10142849-A-AC. GRCh37 (hg19) VCF-style: chr3-10184533-A-AC.
Other names: c.428dup, p.Gly144fs (NM_001354723.2); c.340+663dup (NM_198156.3); short protein forms G144fs.
Identifiers: ClinVar variation 3754265 (VCV003754265.2).